The following is an entry in ClinVar:

NM_013275.6(ANKRD11):c.3869A>G (p.His1290Arg)

Gene: ANKRD11 (ankyrin repeat domain 11; minus strand). Cytogenetic location: 16q24.3.
Variant type: single nucleotide variant.
Coding change: c.3869A>G on transcript NM_013275.6 (MANE Select); coding-DNA position 3869, A replaced by G.
Protein change: p.His1290Arg; replaces histidine 1290 with arginine.
Molecular consequence: missense variant.
Genome position (GRCh38, 1-based): chr16:89,282,673, T>C on the plus strand (A>G on the coding strand, the complement: ANKRD11 is on the minus strand). VCF-style: chr16-89282673-T-C. GRCh37 (hg19) VCF-style: chr16-89349081-T-C.
Other names: c.3869A>G, p.His1290Arg (NM_001256182.2, NM_001256183.2); short protein forms H1290R.
Identifiers: ClinVar variation 771092 (VCV000771092.7), dbSNP rs764356904, ClinGen allele CA8242273.

ClinVar aggregate classification (germline): Conflicting classifications of pathogenicity. Review status: criteria provided, conflicting classifications (1 of 4 stars). 2 submissions from 2 submitters: Uncertain significance (1); Benign (1). Last evaluated 2024-10-16.

Conditions:
KBG syndrome (KBGS). Also called: ANKRD11-Related KBG Syndrome. Identifiers: Orphanet 2332, MedGen C0220687, MONDO:0007846, OMIM 148050.

Allele frequency attached by ClinVar (database versions not stated): gnomAD exomes 0.00001; TOPMed 0.00001; ExAC 0.00002.
gnomAD v4.1: 9 of 1,614,142 alleles (0.00056%); highest among the groups gnomAD compares: Admixed American, 0.0017%; no homozygotes.

Submissions (2):

Labcorp Genetics (formerly Invitae), Labcorp
Classification: Benign for KBG syndrome. Last evaluated: 2024-10-16. Review status: criteria provided, single submitter. Criteria: Invitae Variant Classification Sherloc (09022015). Collection method: clinical testing. Allele origin: germline.

Women's Health and Genetics/Laboratory Corporation of America, LabCorp
Classification: Uncertain significance. Last evaluated: 2024-01-05. Review status: criteria provided, single submitter. Criteria: LabCorp Variant Classification Summary - May 2015. Collection method: clinical testing. Allele origin: germline.
Comment: Variant summary: ANKRD11 c.3869A>G (p.His1290Arg) results in a non-conservative amino acid change in the encoded protein sequence. Four of five in-silico tools predict a benign effect of the variant on protein function. The variant allele was found at a frequency of 1.2e-05 in 251470 control chromosomes (gnomAD). The available data on variant occurrences in the general population are insufficient to allow any conclusion about variant significance. To our knowledge, no occurrence of c.3869A>G in individuals affected with KBG Syndrome and no experimental evidence demonstrating its impact on protein function have been reported. ClinVar contains an entry for this variant (Variation ID: 771092). Based on the evidence outlined above, the variant was classified as uncertain significance.